The following is an entry in ClinVar:

NM_007294.4(BRCA1):c.1374_1375del (p.Asp458fs)

Gene: BRCA1 (BRCA1 DNA repair associated; minus strand). Cytogenetic location: 17q21.31.
Variant type: Deletion.
Coding change: c.1374_1375del on transcript NM_007294.4 (MANE Select); coding-DNA positions 1374 to 1375, 2 bases deleted (CA; older notation c.1374_1375delCA).
Protein change: p.Asp458fs; shifts the reading frame from aspartic acid 458.
Molecular consequence: frameshift variant. On other transcripts: intron variant (137).
Genome position (GRCh38, 1-based): chr17:43,094,156-43,094,157, TG deleted on the plus strand (CA on the coding strand, the reverse complement: BRCA1 is on the minus strand); deleting any 2 consecutive bases within chr17:43,094,156-43,094,158 gives the same sequence; the c. name uses the placement nearest the transcript's 3' end. VCF-style (leftmost placement, unchanged base first): chr17-43094155-TTG-T. GRCh37 (hg19) VCF-style: chr17-41246172-TTG-T.
Other names: c.1170_1171del, p.Asp390fs (NM_001407874.1, NM_001407875.1); c.1164_1165del, p.Asp388fs (NM_001407879.1, NM_001407881.1, NM_001407882.1 and 13 more transcripts); c.1161_1162del, p.Asp387fs (NM_001407894.1, NM_001407571.1, NM_001407895.1 and 9 more transcripts); c.787+587_787+588del (NM_001407976.1, NM_001408404.1, NM_001408472.1 and 19 more transcripts); c.652+587_652+588del (NM_001408451.1); c.643+587_643+588del (NM_001408464.1, NM_001408468.1, NM_001408465.1 and 3 more transcripts); c.523+587_523+588del (NM_001408498.1, NM_001408501.1, NM_001408500.1 and 3 more transcripts); c.646+587_646+588del (NM_001408467.1, NM_001408459.1, NM_001408455.1 and 11 more transcripts); and 40 more; short protein forms D162fs, D290fs, D330fs, D331fs, D346fs, D347fs, D369fs, D370fs.
Identifiers: ClinVar variation 3904688 (VCV003904688.1).

ClinVar aggregate classification (germline): Pathogenic (1 of 4 stars; one submission).

Conditions:
Breast-ovarian cancer, familial, susceptibility to, 1 (BROVCA1). Also called: BRCA1 Hereditary Breast and Ovarian Cancer; OVARIAN CANCER, SUSCEPTIBILITY TO. Identifiers: Orphanet 145, MedGen C2676676, MONDO:0011450, OMIM 604370. Disease mechanism: loss of function.

Submission:

Myriad Genetics, Inc.
Classification: Pathogenic for Breast-ovarian cancer, familial, susceptibility to, 1. Last evaluated: 2025-02-04. Review status: criteria provided, single submitter. Criteria: Myriad Autosomal Dominant, Autosomal Recessive and X-Linked Classification Criteria (2023). Collection method: clinical testing. Allele origin: unknown.
Comment: This variant is considered pathogenic. This variant creates a frameshift predicted to result in premature protein truncation.